The following is an entry in ClinVar:

ClinVar aggregate classification (germline): Uncertain significance (1 of 4 stars; one submission).

Conditions:
Charcot-Marie-Tooth disease, type I (CMT1). Also called: Charcot-Marie-Tooth disease type 1; Charcot-Marie-Tooth, Type 1. Identifiers: Orphanet 65753, MedGen C0751036, MONDO:0019011.

Submission:

Labcorp Genetics (formerly Invitae), Labcorp
Classification: Uncertain significance for Charcot-Marie-Tooth disease, type I. Last evaluated: 2017-12-15. Review status: criteria provided, single submitter. Criteria: Invitae Variant Classification Sherloc (09022015). Collection method: clinical testing. Allele origin: germline.
Comment: This sequence change replaces tyrosine with cysteine at codon 88 of the MPZ protein (p.Tyr88Cys). The tyrosine residue is highly conserved and there is a large physicochemical difference between tyrosine and cysteine. This variant is not present in population databases (ExAC no frequency). A different missense substitution at this codon (p.Tyr88His) has been reported in an individual affected with Charcot-Marie-Tooth disease (PMID: 27025386). Algorithms developed to predict the effect of missense changes on protein structure and function do not agree on the potential impact of this missense change (SIFT: "Deleterious"; PolyPhen-2: "Probably Damaging"; Align-GVGD: "Class C15"). In summary, the available evidence is currently insufficient to determine the role of this variant in disease. Therefore, it has been classified as a Variant of Uncertain Significance.

Literature cited by the submitters: PubMed 27025386.

NM_000530.8(MPZ):c.263A>G (p.Tyr88Cys)

Gene: MPZ (myelin protein zero; minus strand). Cytogenetic location: 1q23.3.
Variant type: single nucleotide variant.
Coding change: c.263A>G on transcript NM_000530.8 (MANE Select); coding-DNA position 263, A replaced by G.
Protein change: p.Tyr88Cys; replaces tyrosine 88 with cysteine.
Molecular consequence: missense variant.
Genome position (GRCh38, 1-based): chr1:161,306,893, T>C on the plus strand (A>G on the coding strand, the complement: MPZ is on the minus strand). VCF-style: chr1-161306893-T-C. GRCh37 (hg19) VCF-style: chr1-161276683-T-C.
Other names: c.263A>G (LRG_256t1); c.263A>G, p.Tyr88Cys (NM_001315491.2); short protein forms Y88C.
Identifiers: ClinVar variation 531681 (VCV000531681.1), dbSNP rs1553259700, ClinGen allele CA343349847.